The following is an entry in ClinVar:

ClinVar aggregate classification (germline): Likely pathogenic. Review status: criteria provided, multiple submitters, no conflicts (2 of 4 stars). 2 submissions from 2 submitters: Likely pathogenic (2). Last evaluated 2026-01-07.

Conditions:
Cholestasis, progressive familial intrahepatic, 7, with or without hearing loss. Identifiers: MedGen C5562043, MONDO:0030503, OMIM 619658.

Submissions (2):

Kasturba Medical College, Manipal, Kasturba Medical College, Manipal, Manipal Academy of Higher Education, Manipal, India
Classification: Likely pathogenic for Cholestasis, progressive familial intrahepatic, 7, with or without hearing loss. Last evaluated: 2026-01-07. Review status: criteria provided, single submitter. Criteria: ACMG Guidelines, 2015. Collection method: research. Allele origin: biparental. Inheritance: Autosomal recessive inheritance. Affected: yes. Observed: 1 homozygote.
Comment: This variant is reported in eleven individuals in the heterozygous state and has not been reported in the homozygous state in gnomAD (v4.1.0). In our in-house database of 3,802 exomes, it is observed in 4 individuals in the heterozygous state and has not been reported in the homozygous state. This variant has been reported once in the ClinVar database as likely pathogenic (Accession: VCV002585608.3). This variant is predicted to cause aberrant splicing which can either lead to nonsense mediated mRNA decay or formation of a truncated protein product. Infants with cholestasis, progressive familial intrahepatic, 7, with or without hearing loss can present with elevated liver enzymes and cholestatic jaundice that can resolve with time.

Neuberg Centre For Genomic Medicine, NCGM
Classification: Likely pathogenic for Cholestasis, progressive familial intrahepatic, 7, with or without hearing loss. Review status: criteria provided, single submitter. Criteria: ACMG Guidelines, 2015. Collection method: clinical testing. Allele origin: germline. Inheritance: Autosomal recessive inheritance. Affected: yes.

NM_001371395.1(USP53):c.822+1del

Gene: USP53 (ubiquitin specific peptidase 53; plus strand). Cytogenetic location: 4q26.
Variant type: Deletion.
Coding change: c.822+1del on transcript NM_001371395.1 (MANE Select); the canonical splice donor site of the intron after coding-DNA position 822, one base deleted (G; older notation c.822+1delG).
Molecular consequence: splice donor variant.
Genome position (GRCh38, 1-based): chr4:119,260,654, G deleted; the last of 4 consecutive G bases (chr4:119,260,651-119,260,654); deleting any one gives the same sequence. VCF-style (leftmost placement, unchanged base first): chr4-119260650-TG-T. GRCh37 (hg19) VCF-style: chr4-120181805-TG-T.
Other names: c.822+1del (NM_019050.3, NM_001389661.1, NM_001389658.1 and 6 more transcripts); c.474+1del (NM_001389663.1, NM_001389667.1, NM_001389664.1 and 3 more transcripts).
Identifiers: ClinVar variation 2585608 (VCV002585608.4), dbSNP rs749211191, ClinGen allele CA3059004.
Genomic context (GRCh38, chr4:119,260,650, plus strand): 5'-CGAGCATTCTGACTTGACCGAAGCTGTTGTTCGGAATCTAGCAACACATCTTTATCTTCC[TG>T]GGGTATCTTATCTATTTTCATTCCCTTCCCTTTTATTTTCAAATTCTTCTAAAACATCAT-3'